The following is an entry in ClinVar:

ClinVar aggregate classification (germline): Uncertain significance (1 of 4 stars; one submission).

Submission:

CeGaT Center for Human Genetics Tuebingen
Classification: Uncertain significance. Last evaluated: 2025-07-01. Review status: criteria provided, single submitter. Criteria: CeGaT Center For Human Genetics Tuebingen Variant Classification Criteria Version 2. Collection method: clinical testing. Allele origin: germline. Affected: yes. Observed: 1 variant allele.
Comment: SCN3A: PM2, PP3

NM_006922.4(SCN3A):c.5009C>T (p.Ala1670Val)

Gene: SCN3A (sodium voltage-gated channel alpha subunit 3; minus strand). Cytogenetic location: 2q24.3.
Variant type: single nucleotide variant.
Coding change: c.5009C>T on transcript NM_006922.4 (MANE Select); coding-DNA position 5009, C replaced by T.
Protein change: p.Ala1670Val; replaces alanine 1670 with valine.
Molecular consequence: missense variant.
Genome position (GRCh38, 1-based): chr2:165,091,144, G>A on the plus strand (C>T on the coding strand, the complement: SCN3A is on the minus strand). VCF-style: chr2-165091144-G-A. GRCh37 (hg19) VCF-style: chr2-165947654-G-A.
Other names: c.4862C>T, p.Ala1621Val (NM_001081676.2, NM_001081677.2); short protein forms A1621V, A1670V.
Identifiers: ClinVar variation 4085358 (VCV004085358.8).